The following is an entry in ClinVar:

ClinVar aggregate classification (germline): Likely benign (1 of 4 stars; one submission).

Submission:

GeneDx
Classification: Likely benign. Last evaluated: 2018-06-12. Review status: criteria provided, single submitter. Criteria: GeneDx Variant Classification (06012015). Collection method: clinical testing. Allele origin: germline. Affected: yes.
Comment: This variant is considered likely benign or benign based on one or more of the following criteria: it is a conservative change, it occurs at a poorly conserved position in the protein, it is predicted to be benign by multiple in silico algorithms, and/or has population frequency not consistent with disease.

NM_053025.4(MYLK):c.4404G>A (p.Glu1468=)

Gene: MYLK (myosin light chain kinase; minus strand). Cytogenetic location: 3q21.1.
Variant type: single nucleotide variant.
Coding change: c.4404G>A on transcript NM_053025.4 (MANE Select); coding-DNA position 4404, G replaced by A.
Protein change: p.Glu1468=; no amino-acid change (glutamic acid 1468 retained).
Molecular consequence: synonymous variant.
Genome position (GRCh38, 1-based): chr3:123,648,982, C>T on the plus strand (G>A on the coding strand, the complement: MYLK is on the minus strand). VCF-style: chr3-123648982-C-T. GRCh37 (hg19) VCF-style: chr3-123367829-C-T.
Other names: c.3876G>A, p.Glu1292= (NM_001321309.2); c.4197G>A, p.Glu1399= (NM_053026.4, NM_053028.4); c.4404G>A, p.Glu1468= (NM_053027.4).
Identifiers: ClinVar variation 671608 (VCV000671608.1), dbSNP rs1576427810, ClinGen allele CA435299117.